The following is an entry in ClinVar:

ClinVar aggregate classification (germline): Pathogenic. Review status: criteria provided, multiple submitters, no conflicts (2 of 4 stars). 2 submissions from 2 submitters: Pathogenic (2). Last evaluated 2023-08-10.

Allele frequency attached by ClinVar (database versions not stated): gnomAD 0.00001; gnomAD exomes 0.00001 and 0.00002; TOPMed 0.00001; ExAC 0.00002.
gnomAD v4.1: 30 of 1,602,154 alleles (0.0019%); highest among the groups gnomAD compares: Non-Finnish European, 0.0023%; no homozygotes.

Submissions (2):

Labcorp Genetics (formerly Invitae), Labcorp
Classification: Pathogenic. Last evaluated: 2023-08-10. Review status: criteria provided, single submitter. Criteria: Invitae Variant Classification Sherloc (09022015). Collection method: clinical testing. Allele origin: germline.
Comment: This sequence change creates a premature translational stop signal (p.Gln4275*) in the ADGRV1 gene. It is expected to result in an absent or disrupted protein product. Loss-of-function variants in ADGRV1 are known to be pathogenic (PMID: 19357117, 22135276, 22147658, 26226137, 30718709, 31047384, 32467589). This variant is present in population databases (rs768589991, gnomAD 0.003%). This variant has not been reported in the literature in individuals affected with ADGRV1-related conditions. ClinVar contains an entry for this variant (Variation ID: 501650). For these reasons, this variant has been classified as Pathogenic.

Eurofins Ntd Llc (ga)
Classification: Pathogenic. Last evaluated: 2017-04-25. Review status: criteria provided, single submitter. Criteria: EGL Classification Definitions 2015. Collection method: clinical testing. Allele origin: germline. Observed: 1 variant allele, 1 heterozygote.

Literature cited by the submitters: PubMed 19357117 (cited by Labcorp Genetics (formerly Invitae), Labcorp); PubMed 22135276 (cited by Labcorp Genetics (formerly Invitae), Labcorp); PubMed 22147658 (cited by Labcorp Genetics (formerly Invitae), Labcorp); PubMed 26226137 (cited by Labcorp Genetics (formerly Invitae), Labcorp); PubMed 30718709 (cited by Labcorp Genetics (formerly Invitae), Labcorp); PubMed 31047384 (cited by Labcorp Genetics (formerly Invitae), Labcorp); PubMed 32467589 (cited by Labcorp Genetics (formerly Invitae), Labcorp).

NM_032119.4(ADGRV1):c.12823C>T (p.Gln4275Ter)

Gene: ADGRV1 (adhesion G protein-coupled receptor V1; plus strand). Cytogenetic location: 5q14.3.
Variant type: single nucleotide variant.
Coding change: c.12823C>T on transcript NM_032119.4 (MANE Select); coding-DNA position 12823, C replaced by T.
Protein change: p.Gln4275Ter; replaces glutamine 4275 with a stop codon.
Molecular consequence: nonsense. On other transcripts: non-coding transcript variant (1).
Genome position (GRCh38, 1-based): chr5:90,778,583, C>T. VCF-style: chr5-90778583-C-T. GRCh37 (hg19) VCF-style: chr5-90074400-C-T.
Other names: short protein forms Q4275*.
Identifiers: ClinVar variation 501650 (VCV000501650.9), dbSNP rs768589991, ClinGen allele CA3341340.